The following is an entry in ClinVar:

ClinVar aggregate classification (germline): Uncertain significance (1 of 4 stars; one submission).

Conditions:
Naxos disease (NXD). Also called: KERATOSIS PALMOPLANTARIS WITH ARRHYTHMOGENIC CARDIOMYOPATHY; MAL DE NAXOS; CARDIOMYOPATHY, ARRHYTHMOGENIC RIGHT VENTRICULAR, WITH SKIN, HAIR, AND NAIL ABNORMALITIES; PALMOPLANTAR KERATODERMA WITH ARRHYTHMOGENIC RIGHT VENTRICULAR CARDIOMYOPATHY AND WOOLLY HAIR; WOOLLY HAIR, PALMOPLANTAR KERATODERMA, AND CARDIAC ABNORMALITIES. Identifiers: Orphanet 34217, MedGen C1832600, MONDO:0011017, OMIM 601214.
Arrhythmogenic right ventricular dysplasia 12. Also called: ARRHYTHMOGENIC RIGHT VENTRICULAR DYSPLASIA, FAMILIAL, 12. Identifiers: MedGen C1969081, MONDO:0012684, OMIM 611528.

gnomAD v4.1: 1 of 1,613,276 alleles (0.000062%); highest among the groups gnomAD compares: Non-Finnish European, 0.000085%; no homozygotes.

Submission:

Labcorp Genetics (formerly Invitae), Labcorp
Classification: Uncertain significance for Arrhythmogenic right ventricular dysplasia 12; Naxos disease. Last evaluated: 2022-04-24. Review status: criteria provided, single submitter. Criteria: Invitae Variant Classification Sherloc (09022015). Collection method: clinical testing. Allele origin: germline.
Comment: This variant is not present in population databases (gnomAD no frequency). This sequence change replaces aspartic acid, which is acidic and polar, with alanine, which is neutral and non-polar, at codon 200 of the JUP protein (p.Asp200Ala). This variant has not been reported in the literature in individuals affected with JUP-related conditions. In summary, the available evidence is currently insufficient to determine the role of this variant in disease. Therefore, it has been classified as a Variant of Uncertain Significance. Algorithms developed to predict the effect of missense changes on protein structure and function (SIFT, PolyPhen-2, Align-GVGD) all suggest that this variant is likely to be tolerated.

NM_002230.4(JUP):c.599A>C (p.Asp200Ala)

Gene: JUP (junction plakoglobin; minus strand). Cytogenetic location: 17q21.2.
Variant type: single nucleotide variant.
Coding change: c.599A>C on transcript NM_002230.4 (MANE Select); coding-DNA position 599, A replaced by C.
Protein change: p.Asp200Ala; replaces aspartic acid 200 with alanine.
Molecular consequence: missense variant.
Genome position (GRCh38, 1-based): chr17:41,769,077, T>G on the plus strand (A>C on the coding strand, the complement: JUP is on the minus strand). VCF-style: chr17-41769077-T-G. GRCh37 (hg19) VCF-style: chr17-39925329-T-G.
Other names: c.599A>C, p.Asp200Ala (NM_001352773.2, NM_001352774.2, NM_001352775.2 and 3 more transcripts); short protein forms D200A.
Identifiers: ClinVar variation 1960131 (VCV001960131.5), dbSNP rs2544181149, ClinGen allele CA399503035.
Genomic context (GRCh38, chr17:41,769,077, plus strand): 5'-AGCAGCCCCTCCCGGTGGTGGGAGAGGTTGTGCAGGATGCTGGTGGTGCAGCGGGCTGTG[T>G]CCAGGTCGCTGGTATTCTGCATGGTACGCACGACAGCGGCCACCAGCTGGGGCGAGCCCA-3'
Protein context (NP_002221.1, residues 190-210): VRTMQNTSDL[Asp200Ala]TARCTTSILH